The following is an entry in ClinVar:

ClinVar aggregate classification (germline): Conflicting classifications of pathogenicity. Review status: criteria provided, conflicting classifications (1 of 4 stars). 3 submissions from 3 submitters: Uncertain significance (1); Likely benign (2). Last evaluated 2025-12-01.

Conditions:
Primary dilated cardiomyopathy (DCM). Also called: Dilated Cardiomyopathy. Identifiers: Orphanet 217604, MedGen C0007193, MeSH D002311, MONDO:0005021, HP:0001644. Inheritance: Various modes of inheritance.

Allele frequency attached by ClinVar (database versions not stated): gnomAD exomes below 0.00001 and 0.00001; TOPMed 0.00002; ExAC 0.00002; gnomAD 0.00002.
gnomAD v4.1: 9 of 1,613,714 alleles (0.00056%); highest among the groups gnomAD compares: East Asian, 0.018%; 1 homozygote.

Submissions (3):

Labcorp Genetics (formerly Invitae), Labcorp
Classification: Likely benign for Primary dilated cardiomyopathy. Last evaluated: 2025-12-01. Review status: criteria provided, single submitter. Criteria: Invitae Variant Classification Sherloc (09022015). Collection method: clinical testing. Allele origin: germline.

GeneDx
Classification: Likely benign. Last evaluated: 2017-08-02. Review status: criteria provided, single submitter. Criteria: GeneDx Variant Classification (06012015). Collection method: clinical testing. Allele origin: germline. Affected: yes.
Comment: This variant is considered likely benign or benign based on one or more of the following criteria: it is a conservative change, it occurs at a poorly conserved position in the protein, it is predicted to be benign by multiple in silico algorithms, and/or has population frequency not consistent with disease.

Laboratory for Molecular Medicine, Mass General Brigham Personalized Medicine
Classification: Uncertain significance. Last evaluated: 2014-01-02. Review status: criteria provided, single submitter. Criteria: LMM Criteria. Collection method: clinical testing. Allele origin: germline. Observed: 1 variant allele.
Comment: The 1963-13C>T variant in NEBL has not been reported in individuals with cardiom yopathy or in large population studies. This variant is located in the 3' splice region but computational tools do not suggest an impact to splicing. However, t his information is not predictive enough to rule out pathogenicity. Additional s tudies are needed to fully assess its clinical significance.

NM_006393.3(NEBL):c.1963-13C>T

Gene: NEBL (nebulette; minus strand). Cytogenetic location: 10p12.31.
Variant type: single nucleotide variant.
Coding change: c.1963-13C>T on transcript NM_006393.3 (MANE Select); 13 bases into the intron before coding-DNA position 1963, C replaced by T.
Molecular consequence: intron variant.
Genome position (GRCh38, 1-based): chr10:20,819,529, G>A on the plus strand (C>T on the coding strand, the complement: NEBL is on the minus strand). VCF-style: chr10-20819529-G-A. GRCh37 (hg19) VCF-style: chr10-21108458-G-A.
Other names: c.250-6589C>T (NM_001377326.1, NM_001377327.1, NM_001377328.1); c.358-6589C>T (NM_213569.2, NM_001173484.2, NM_001377322.1); c.301-6589C>T (NM_001377324.1); c.292-6589C>T (NM_001377325.1); c.310-6589C>T (NM_001377323.1).
Identifiers: ClinVar variation 179499 (VCV000179499.9), dbSNP rs727504904, ClinGen allele CA184546.